The following is an entry in ClinVar:

ClinVar aggregate classification (germline): Conflicting classifications of pathogenicity. Review status: criteria provided, conflicting classifications (1 of 4 stars). 6 submissions from 6 submitters: Uncertain significance (5); Likely benign (1). Last evaluated 2026-08-27.

Conditions:
Juvenile polyposis syndrome (JPS). Identifiers: Orphanet 2929, MedGen C0345893, MONDO:0017380, OMIM 174900.
Hereditary cancer-predisposing syndrome. Also called: Tumor predisposition; Hereditary neoplastic syndrome; Hereditary Cancer Syndrome; Neoplastic Syndromes, Hereditary. Identifiers: Orphanet 140162, MedGen C0027672, MeSH D009386, MONDO:0015356.
Polyposis syndrome, hereditary mixed, 2. Identifiers: Orphanet 157794, MedGen C1864730, MONDO:0012405, OMIM 610069.

Allele frequency attached by ClinVar (database versions not stated): TOPMed below 0.00001; gnomAD 0.00001.
gnomAD v4.1: 23 of 1,613,794 alleles (0.0014%); highest among the groups gnomAD compares: Non-Finnish European, 0.0019%; no homozygotes.

Submissions (6):

GeneDx
Classification: Uncertain significance. Last evaluated: 2026-08-27. Review status: criteria provided, single submitter. Criteria: GeneDx Variant Classification Process June 2021. Collection method: clinical testing. Allele origin: germline.
Comment: Not observed at significant frequency in large population cohorts (gnomAD); In silico analysis suggests that this missense variant does not alter protein structure/function; This variant is associated with the following publications: (PMID: 23433720, 9759503, 34326862)

Labcorp Genetics (formerly Invitae), Labcorp
Classification: Uncertain significance for Juvenile polyposis syndrome. Last evaluated: 2025-11-09. Review status: criteria provided, single submitter. Criteria: Invitae Variant Classification Sherloc (09022015). Collection method: clinical testing. Allele origin: germline.
Comment: This sequence change replaces glutamine, which is neutral and polar, with lysine, which is basic and polar, at codon 212 of the BMPR1A protein (p.Gln212Lys). This variant is present in population databases (no rsID available, gnomAD 0.0009%). This missense change has been observed in individual(s) with breast cancer (PMID: 34326862). ClinVar contains an entry for this variant (Variation ID: 229681). Invitae Evidence Modeling incorporating data from in vitro experimental studies (internal data) indicates that this missense variant is not expected to disrupt BMPR1A function with a negative predictive value of 95%. In summary, the available evidence is currently insufficient to determine the role of this variant in disease. Therefore, it has been classified as a Variant of Uncertain Significance.

Color Diagnostics, LLC DBA Color Health
Classification: Uncertain significance for Hereditary cancer-predisposing syndrome. Last evaluated: 2024-03-06. Review status: criteria provided, single submitter. Criteria: ACMG Guidelines, 2015. Collection method: clinical testing. Allele origin: germline.
Comment: This missense variant replaces glutamine with lysine at codon 212 of the BMPR1A protein. Computational prediction suggests that this variant may not impact protein structure and function (internally defined REVEL score threshold <= 0.5, PMID: 27666373). To our knowledge, functional studies have not been reported for this variant. This variant has not been reported in individuals affected with BMPR1A-related disorders in the literature. This variant has been identified in 1/251332 chromosomes in the general population by the Genome Aggregation Database (gnomAD). The available evidence is insufficient to determine the role of this variant in disease conclusively. Therefore, this variant is classified as a Variant of Uncertain Significance.

All of Us Research Program, National Institutes of Health
Classification: Uncertain significance for Juvenile polyposis syndrome. Last evaluated: 2023-08-08. Review status: criteria provided, single submitter. Criteria: ACMG Guidelines, 2015. Collection method: clinical testing. Allele origin: germline. Inheritance: Autosomal dominant inheritance. Observed: 3 variant alleles, 3 heterozygotes.
Comment: This missense variant replaces glutamine with lysine at codon 212 of the BMPR1A protein. Computational prediction suggests that this variant may not impact protein structure and function (internally defined REVEL score threshold <= 0.5, PMID: 27666373). Splice site prediction tools suggest that this variant may not impact RNA splicing. To our knowledge, functional studies have not been performed for this variant. This variant has not been reported in individuals affected with hereditary cancer in the literature. This variant has been identified in 1/251332 chromosomes in the general population by the Genome Aggregation Database (gnomAD). The available evidence is insufficient to determine the role of this variant in disease conclusively. Therefore, this variant is classified as a Variant of Uncertain Significance.

This study involves interpretation of variants in research participants for the purpose of population health screening. Participant phenotype was not available at the time of variant classification. Additional details can be found in publication PMID: 35346344, PMCID: PMC8962531

Ambry Genetics
Classification: Likely benign for Hereditary cancer-predisposing syndrome. Last evaluated: 2023-04-13. Review status: criteria provided, single submitter. Criteria: Ambry Variant Classification Scheme 2023. Collection method: clinical testing. Allele origin: germline.

Baylor Genetics
Classification: Uncertain significance for Polyposis syndrome, hereditary mixed, 2. Last evaluated: 2021-11-25. Review status: criteria provided, single submitter. Criteria: ACMG Guidelines, 2015. Collection method: clinical testing. Allele origin: unknown.

Literature cited by the submitters: PubMed 34326862 (cited by Labcorp Genetics (formerly Invitae), Labcorp).

NM_004329.3(BMPR1A):c.634C>A (p.Gln212Lys)

Gene: BMPR1A (bone morphogenetic protein receptor type 1A; plus strand). Cytogenetic location: 10q23.2.
Variant type: single nucleotide variant.
Coding change: c.634C>A on transcript NM_004329.3 (MANE Select); coding-DNA position 634, C replaced by A.
Protein change: p.Gln212Lys; replaces glutamine 212 with lysine.
Molecular consequence: missense variant.
Genome position (GRCh38, 1-based): chr10:86,912,343, C>A. VCF-style: chr10-86912343-C-A. GRCh37 (hg19) VCF-style: chr10-88672100-C-A.
Other names: short protein forms Q212K.
Identifiers: ClinVar variation 229681 (VCV000229681.25), dbSNP rs876658138, ClinGen allele CA10578884.